The following is an entry in ClinVar:

ClinVar aggregate classification (germline): Uncertain significance (1 of 4 stars; one submission).

gnomAD v4.1: 46 of 1,613,964 alleles (0.0029%); highest among the groups gnomAD compares: Non-Finnish European, 0.0035%; no homozygotes.

Submission:

Labcorp Genetics (formerly Invitae), Labcorp
Classification: Uncertain significance. Last evaluated: 2022-10-24. Review status: criteria provided, single submitter. Criteria: Invitae Variant Classification Sherloc (09022015). Collection method: clinical testing. Allele origin: germline.
Comment: This variant is present in population databases (rs760999391, gnomAD 0.003%). This sequence change replaces tryptophan, which is neutral and slightly polar, with leucine, which is neutral and non-polar, at codon 349 of the ARSG protein (p.Trp349Leu). ClinVar contains an entry for this variant (Variation ID: 1052491). Advanced modeling of protein sequence and biophysical properties (such as structural, functional, and spatial information, amino acid conservation, physicochemical variation, residue mobility, and thermodynamic stability) has been performed at Invitae for this missense variant, however the output from this modeling did not meet the statistical confidence thresholds required to predict the impact of this variant on ARSG protein function. This variant has not been reported in the literature in individuals affected with ARSG-related conditions. In summary, the available evidence is currently insufficient to determine the role of this variant in disease. Therefore, it has been classified as a Variant of Uncertain Significance.

NM_001267727.2(ARSG):c.1046G>T (p.Trp349Leu)

Gene: ARSG (arylsulfatase G; plus strand). Cytogenetic location: 17q24.2.
Variant type: single nucleotide variant.
Coding change: c.1046G>T on transcript NM_001267727.2 (MANE Select); coding-DNA position 1046, G replaced by T.
Protein change: p.Trp349Leu; replaces tryptophan 349 with leucine.
Molecular consequence: missense variant.
Genome position (GRCh38, 1-based): chr17:68,385,127, G>T. VCF-style: chr17-68385127-G-T. GRCh37 (hg19) VCF-style: chr17-66381268-G-T.
Other names: c.1046G>T, p.Trp349Leu (NM_001352899.2, NM_001352900.2, NM_001352901.2 and 3 more transcripts); c.1043G>T, p.Trp348Leu (NM_001352903.2, NM_001352904.2, NM_001352905.2 and 2 more transcripts); c.998G>T, p.Trp333Leu (NM_001352909.2); short protein forms W333L, W348L, W349L.
Identifiers: ClinVar variation 1052491 (VCV001052491.6), dbSNP rs760999391, ClinGen allele CA293275896.